The following is an entry in ClinVar:

NM_006231.4(POLE):c.1261A>G (p.Ser421Gly)

Gene: POLE (DNA polymerase epsilon, catalytic subunit; minus strand). Cytogenetic location: 12q24.33.
Variant type: single nucleotide variant.
Coding change: c.1261A>G on transcript NM_006231.4 (MANE Select); coding-DNA position 1261, A replaced by G.
Protein change: p.Ser421Gly; replaces serine 421 with glycine.
Molecular consequence: missense variant.
Genome position (GRCh38, 1-based): chr12:132,673,673, T>C on the plus strand (A>G on the coding strand, the complement: POLE is on the minus strand). VCF-style: chr12-132673673-T-C. GRCh37 (hg19) VCF-style: chr12-133250259-T-C.
Other names: short protein forms S421G.
Identifiers: ClinVar variation 1375414 (VCV001375414.8), dbSNP rs1274137181, ClinGen allele CA387359596.

ClinVar aggregate classification (germline): Uncertain significance (1 of 4 stars; one submission).

Allele frequency attached by ClinVar (database versions not stated): gnomAD exomes below 0.00001.
gnomAD v4.1: 1 of 1,614,008 alleles (0.000062%); highest among the groups gnomAD compares: Non-Finnish European, 0.000085%; no homozygotes.

Submission:

Labcorp Genetics (formerly Invitae), Labcorp
Classification: Uncertain significance. Last evaluated: 2020-12-29. Review status: criteria provided, single submitter. Criteria: Invitae Variant Classification Sherloc (09022015). Collection method: clinical testing. Allele origin: germline.
Comment: Algorithms developed to predict the effect of missense changes on protein structure and function are either unavailable or do not agree on the potential impact of this missense change (SIFT: "Deleterious"; PolyPhen-2: "Probably Damaging"; Align-GVGD: "Class C0"). This sequence change replaces serine with glycine at codon 421 of the POLE protein (p.Ser421Gly). The serine residue is highly conserved and there is a small physicochemical difference between serine and glycine. This variant is not present in population databases (ExAC no frequency). This variant has not been reported in the literature in individuals with POLE-related conditions. In summary, the available evidence is currently insufficient to determine the role of this variant in disease. Therefore, it has been classified as a Variant of Uncertain Significance.